The following is an entry in ClinVar:

ClinVar aggregate classification (germline): Uncertain significance (1 of 4 stars; one submission).

Conditions:
Primary ciliary dyskinesia. Also called: Ciliary dyskinesia. Identifiers: Orphanet 244, MedGen C0008780, MONDO:0016575, HP:0012265.

gnomAD v4.1: 1 of 1,605,238 alleles (0.000062%); highest among the groups gnomAD compares: Non-Finnish European, 0.000085%; no homozygotes.

Submission:

Labcorp Genetics (formerly Invitae), Labcorp
Classification: Uncertain significance for Primary ciliary dyskinesia. Last evaluated: 2023-08-17. Review status: criteria provided, single submitter. Criteria: Invitae Variant Classification Sherloc (09022015). Collection method: clinical testing. Allele origin: germline.
Comment: This variant is not present in population databases (gnomAD no frequency). This variant has not been reported in the literature in individuals affected with DNAH8-related conditions. Advanced modeling of protein sequence and biophysical properties (such as structural, functional, and spatial information, amino acid conservation, physicochemical variation, residue mobility, and thermodynamic stability) performed at Invitae indicates that this missense variant is not expected to disrupt DNAH8 protein function. In summary, the available evidence is currently insufficient to determine the role of this variant in disease. Therefore, it has been classified as a Variant of Uncertain Significance. This sequence change replaces leucine, which is neutral and non-polar, with phenylalanine, which is neutral and non-polar, at codon 3111 of the DNAH8 protein (p.Leu3111Phe).

NM_001206927.2(DNAH8):c.9333G>C (p.Leu3111Phe)

Gene: DNAH8 (dynein axonemal heavy chain 8; plus strand). Cytogenetic location: 6p21.2.
Variant type: single nucleotide variant.
Coding change: c.9333G>C on transcript NM_001206927.2 (MANE Select); coding-DNA position 9333, G replaced by C.
Protein change: p.Leu3111Phe; replaces leucine 3111 with phenylalanine.
Molecular consequence: missense variant.
Genome position (GRCh38, 1-based): chr6:38,906,392, G>C. VCF-style: chr6-38906392-G-C. GRCh37 (hg19) VCF-style: chr6-38874168-G-C.
Other names: c.8682G>C, p.Leu2894Phe (NM_001371.4); short protein forms L3111F, L2894F.
Identifiers: ClinVar variation 2713746 (VCV002713746.3), dbSNP rs968838351, ClinGen allele CA137569012.